The following is an entry in ClinVar:

ClinVar aggregate classification (germline): Uncertain significance (1 of 4 stars; one submission).

Submission:

Labcorp Genetics (formerly Invitae), Labcorp
Classification: Uncertain significance. Last evaluated: 2025-09-14. Review status: criteria provided, single submitter. Criteria: Invitae Variant Classification Sherloc (09022015). Collection method: clinical testing. Allele origin: germline.
Comment: This sequence change falls in intron 13 of the RASA2 gene. It does not directly change the encoded amino acid sequence of the RASA2 protein. It affects a nucleotide within the consensus splice site. This variant is not present in population databases (gnomAD no frequency). This variant has not been reported in the literature in individuals affected with RASA2-related conditions. Variants that disrupt the consensus splice site are a relatively common cause of aberrant splicing (PMID: 17576681, 9536098). Algorithms developed to predict the effect of sequence changes on RNA splicing suggest that this variant is not likely to affect RNA splicing. In summary, the available evidence is currently insufficient to determine the role of this variant in disease. Therefore, it has been classified as a Variant of Uncertain Significance.

Literature cited by the submitters: PubMed 17576681; PubMed 9536098.

NM_006506.5(RASA2):c.1359+5G>T

Gene: RASA2 (RAS p21 protein activator 2; plus strand). Cytogenetic location: 3q23.
Variant type: single nucleotide variant.
Coding change: c.1359+5G>T on transcript NM_006506.5 (MANE Select); 5 bases into the intron after coding-DNA position 1359, G replaced by T.
Molecular consequence: intron variant.
Genome position (GRCh38, 1-based): chr3:141,573,226, G>T. VCF-style: chr3-141573226-G-T. GRCh37 (hg19) VCF-style: chr3-141292068-G-T.
Other names: c.1359+5G>T (NM_001303245.3, NM_001303246.3).
Identifiers: ClinVar variation 4726920 (VCV004726920.1).